The following is an entry in ClinVar:

NM_018896.5(CACNA1G):c.1699C>T (p.Arg567Cys)

Gene: CACNA1G (calcium voltage-gated channel subunit alpha1 G; plus strand). Cytogenetic location: 17q21.33.
Variant type: single nucleotide variant.
Coding change: c.1699C>T on transcript NM_018896.5 (MANE Select); coding-DNA position 1699, C replaced by T.
Protein change: p.Arg567Cys; replaces arginine 567 with cysteine.
Molecular consequence: missense variant. On other transcripts: non-coding transcript variant (5).
Genome position (GRCh38, 1-based): chr17:50,576,101, C>T. VCF-style: chr17-50576101-C-T. GRCh37 (hg19) VCF-style: chr17-48653462-C-T.
Other names: p.Arg567Cys; c.1699C>T, p.Arg567Cys (NM_001256324.2, NM_001256325.2, NM_001256326.2 and 24 more transcripts); short protein forms R567C.
Identifiers: ClinVar variation 777202 (VCV000777202.12), dbSNP rs60802569, ClinGen allele CA8652222.

ClinVar aggregate classification (germline): Benign/Likely benign. Review status: criteria provided, multiple submitters, no conflicts (2 of 4 stars). 4 submissions from 4 submitters: Benign (2); Likely benign (2). Last evaluated 2026-01-15.

Allele frequency attached by ClinVar (database versions not stated): gnomAD exomes 0.00201; ExAC 0.00482; ESP Exome Variant Server 0.00896; gnomAD 0.00954 and 0.01009; TOPMed 0.01079; 1000 Genomes Project 0.01238; 1000 Genomes Project 30x 0.01280.
gnomAD v4.1: 2,806 of 1,592,860 alleles (0.18%); highest among the groups gnomAD compares: African/African-American, 3.5%; 36 homozygotes.

Submissions (4):

Labcorp Genetics (formerly Invitae), Labcorp
Classification: Benign. Last evaluated: 2026-01-15. Review status: criteria provided, single submitter. Criteria: Invitae Variant Classification Sherloc (09022015). Collection method: clinical testing. Allele origin: germline.

Mayo Clinic Laboratories, Mayo Clinic
Classification: Benign. Last evaluated: 2025-08-07. Review status: criteria provided, single submitter. Criteria: ACMG Guidelines, 2015. Collection method: clinical testing. Allele origin: germline. Observed: 1 variant allele.
Comment: BA1

GeneDx
Classification: Likely benign. Last evaluated: 2021-04-13. Review status: criteria provided, single submitter. Criteria: GeneDx Variant Classification Process June 2021. Collection method: clinical testing. Allele origin: germline. Affected: yes.

Breakthrough Genomics
Classification: Likely benign. Review status: criteria provided, single submitter. Criteria: ACMG Guidelines, 2015. Collection method: not provided. Allele origin: germline. Inheritance: Autosomal dominant inheritance. Affected: yes.